The following is an entry in ClinVar:

NM_133497.4(KCNV2):c.245C>T (p.Thr82Ile)

Gene: KCNV2 (potassium voltage-gated channel modifier subfamily V member 2; plus strand). Cytogenetic location: 9p24.2.
Variant type: single nucleotide variant.
Coding change: c.245C>T on transcript NM_133497.4 (MANE Select); coding-DNA position 245, C replaced by T.
Protein change: p.Thr82Ile; replaces threonine 82 with isoleucine.
Molecular consequence: missense variant.
Genome position (GRCh38, 1-based): chr9:2,717,984, C>T. VCF-style: chr9-2717984-C-T. GRCh37 (hg19) VCF-style: chr9-2717984-C-T.
Other names: short protein forms T82I.
Identifiers: ClinVar variation 366413 (VCV000366413.19), dbSNP rs370044423, ClinGen allele CA4965382.

ClinVar aggregate classification (germline): Conflicting classifications of pathogenicity. Review status: criteria provided, conflicting classifications (1 of 4 stars). 5 submissions from 5 submitters: Uncertain significance (4); Likely benign (1). Last evaluated 2026-07-07.

Conditions:
KCNV2-related disorder. Also called: KCNV2-related condition.
Inborn genetic diseases. Identifiers: MedGen C0950123, MeSH D030342.
Cone dystrophy with supernormal rod response (CDSRR). Also called: CONE DYSTROPHY WITH SUPERNORMAL ROD RESPONSES. Identifiers: Orphanet 209932, MedGen C1835897, MONDO:0012475, OMIM 610356.

Allele frequency attached by ClinVar (database versions not stated): ExAC 0.00008; ESP Exome Variant Server 0.00008; gnomAD 0.00010 and 0.00011; TOPMed 0.00012; 1000 Genomes Project 30x 0.00016; 1000 Genomes Project 0.00020.
gnomAD v4.1: 75 of 1,614,144 alleles (0.0046%); highest among the groups gnomAD compares: East Asian, 0.038%; no homozygotes.

Submissions (5):

PreventionGenetics, part of Exact Sciences
Classification: Uncertain significance for KCNV2-related condition. Last evaluated: 2026-07-07. Review status: criteria provided, single submitter. Criteria: ACMG Guidelines, 2015. Collection method: clinical testing. Allele origin: germline.
Comment: The KCNV2 c.245C>T variant is predicted to result in the amino acid substitution p.Thr82Ile. To our knowledge, this variant has not been reported in the literature. This variant is reported in 0.070% of alleles in individuals of East Asian descent in gnomAD, which may be too frequent to be a primary cause of disease. Although we suspect that this variant may be benign, at this time, the clinical significance of this variant is uncertain due to the absence of conclusive functional and genetic evidence.

Labcorp Genetics (formerly Invitae), Labcorp
Classification: Likely benign. Last evaluated: 2026-01-24. Review status: criteria provided, single submitter. Criteria: Invitae Variant Classification Sherloc (09022015). Collection method: clinical testing. Allele origin: germline.

Ambry Genetics
Classification: Uncertain significance for Inborn genetic diseases. Last evaluated: 2025-08-23. Review status: criteria provided, single submitter. Criteria: Ambry Variant Classification Scheme 2023. Collection method: clinical testing. Allele origin: germline.

Blueprint Genetics
Classification: Uncertain significance. Last evaluated: 2024-04-19. Review status: criteria provided, single submitter. Criteria: ACMG Guidelines, 2015. Collection method: clinical testing. Allele origin: germline.

Illumina Laboratory Services, Illumina
Classification: Uncertain significance for Cone dystrophy with supernormal rod response. Last evaluated: 2018-01-13. Review status: criteria provided, single submitter. Criteria: ICSL Variant Classification Criteria 13 December 2019. Collection method: clinical testing. Allele origin: germline.